The following is an entry in ClinVar:

ClinVar aggregate classification (germline): Conflicting classifications of pathogenicity. Review status: criteria provided, conflicting classifications (1 of 4 stars). 5 submissions from 5 submitters: Uncertain significance (1); Benign (1); Likely benign (3). Last evaluated 2026-07-15.

Conditions:
Rhabdoid tumor predisposition syndrome 2 (RTPS2). Identifiers: Orphanet 231108, Orphanet 69077, MedGen C2750074, MONDO:0013224, OMIM 613325.
Hereditary cancer-predisposing syndrome. Also called: Tumor predisposition; Neoplastic Syndromes, Hereditary; Hereditary Cancer Syndrome; Hereditary neoplastic syndrome. Identifiers: Orphanet 140162, MedGen C0027672, MeSH D009386, MONDO:0015356.

Submissions (5):

Myriad Genetics, Inc.
Classification: Benign for Rhabdoid tumor predisposition syndrome 2. Last evaluated: 2026-07-15. Review status: criteria provided, single submitter. Criteria: Myriad Autosomal Dominant, Autosomal Recessive and X-Linked Classification Criteria (2023). Collection method: clinical testing. Allele origin: unknown.
Comment: This variant is considered benign. This variant is a silent/synonymous amino acid change and it is not expected to impact splicing.

Labcorp Genetics (formerly Invitae), Labcorp
Classification: Likely benign for Rhabdoid tumor predisposition syndrome 2. Last evaluated: 2025-09-04. Review status: criteria provided, single submitter. Criteria: Invitae Variant Classification Sherloc (09022015). Collection method: clinical testing. Allele origin: germline.

Quest Diagnostics Nichols Institute San Juan Capistrano
Classification: Uncertain significance. Last evaluated: 2023-06-10. Review status: criteria provided, single submitter. Criteria: Quest Diagnostics criteria. Collection method: clinical testing. Allele origin: unknown.
Comment: To the best of our knowledge, this variant has not been reported in the published literature. It also has not been reported in large, multi-ethnic general populations (Genome Aggregation Database). Analysis of this variant using software algorithms for the prediction of the effect of nucleotide changes on splicing yielded predictions that this variant does not affect SMARCA4 mRNA splicing . Based on the available information, we are unable to determine the clinical significance of this variant.

Ambry Genetics
Classification: Likely benign for Hereditary cancer-predisposing syndrome. Last evaluated: 2021-07-28. Review status: criteria provided, single submitter. Criteria: Ambry Variant Classification Scheme 2023. Collection method: clinical testing. Allele origin: germline.

GeneDx
Classification: Likely benign. Last evaluated: 2018-02-15. Review status: criteria provided, single submitter. Criteria: GeneDx Variant Classification (06012015). Collection method: clinical testing. Allele origin: germline. Affected: yes.
Comment: This variant is considered likely benign or benign based on one or more of the following criteria: it is a conservative change, it occurs at a poorly conserved position in the protein, it is predicted to be benign by multiple in silico algorithms, and/or has population frequency not consistent with disease.

NM_003072.5(SMARCA4):c.3645A>G (p.Leu1215=)

Gene: SMARCA4 (SWI/SNF related BAF chromatin remodeling complex subunit ATPase 4; plus strand). Cytogenetic location: 19p13.2.
Variant type: single nucleotide variant.
Coding change: c.3645A>G on transcript NM_003072.5 (MANE Select); coding-DNA position 3645, A replaced by G.
Protein change: p.Leu1215=; no amino-acid change (leucine 1215 retained).
Molecular consequence: synonymous variant. On other transcripts: non-coding transcript variant (1).
Genome position (GRCh38, 1-based): chr19:11,033,388, A>G. VCF-style: chr19-11033388-A-G. GRCh37 (hg19) VCF-style: chr19-11144064-A-G.
Other names: c.3645A>G, p.Leu1215= (NM_001128844.3, NM_001128845.2, NM_001128846.2 and 5 more transcripts).
Identifiers: ClinVar variation 515468 (VCV000515468.16), dbSNP rs1555784535, ClinGen allele CA505493071.